The following is an entry in ClinVar:

ClinVar aggregate classification (germline): Benign/Likely benign. Review status: criteria provided, multiple submitters, no conflicts (2 of 4 stars). 3 submissions from 3 submitters: Benign (2); Likely benign (1). Last evaluated 2026-01-23.

Conditions:
Immunodeficiency, common variable, 4. Also called: ANTIBODY DEFICIENCY DUE TO BAFFR DEFECT. Identifiers: Orphanet 1572, Orphanet 696925, MedGen C3150739, MONDO:0013284, OMIM 613494.

Allele frequency attached by ClinVar (database versions not stated): TOPMed 0.00084; 1000 Genomes Project 30x 0.00234; 1000 Genomes Project 0.00260.
gnomAD v4.1: 3,333 of 1,611,316 alleles (0.21%); highest among the groups gnomAD compares: South Asian, 1.5%; 23 homozygotes.

Submissions (5):

Women's Health and Genetics/Laboratory Corporation of America, LabCorp
Classification: Benign. Last evaluated: 2026-01-23. Review status: criteria provided, single submitter. Criteria: LabCorp Variant Classification Summary - May 2015. Collection method: clinical testing. Allele origin: germline.

Labcorp Genetics (formerly Invitae), Labcorp
Classification: Benign for Immunodeficiency, common variable, 4. Last evaluated: 2026-01-21. Review status: criteria provided, single submitter. Criteria: Invitae Variant Classification Sherloc (09022015). Collection method: clinical testing. Allele origin: germline.

Illumina Laboratory Services, Illumina
Classification: Likely benign for Immunodeficiency, common variable, 4. Last evaluated: 2018-01-13. Review status: criteria provided, single submitter. Criteria: ICSL Variant Classification Criteria 13 December 2019. Collection method: clinical testing. Allele origin: germline.
Comment: This variant was observed in the ICSL laboratory as part of a predisposition screen in an ostensibly healthy population. It had not been previously curated by ICSL or reported in the Human Gene Mutation Database (HGMD: prior to June 1st, 2018), and was therefore a candidate for classification through an automated scoring system. Utilizing variant allele frequency, disease prevalence and penetrance estimates, and inheritance mode, an automated score was calculated to assess if this variant is too frequent to cause the disease. Based on the score and internal cut-off values, a variant classified as likely benign is not then subjected to further curation. The score for this variant resulted in a classification of likely benign for this disease.

Dr. Peter K. Rogan Lab, Western University
No classification provided (evidence only). Condition: Gastric cancer. Review status: no classification provided. Collection method: in vitro. Allele origin: not applicable. Functional consequence: retained intron. Not counted in ClinVar's aggregate classification.

Dr. Peter K. Rogan Lab, Western University
No classification provided (evidence only). Condition: Uterine carcinosarcoma. Review status: no classification provided. Collection method: in vitro. Allele origin: not applicable. Functional consequence: retained intron. Not counted in ClinVar's aggregate classification.

NM_052945.4(TNFRSF13C):c.368-13C>G

Gene: TNFRSF13C (TNF receptor superfamily member 13C; minus strand). Cytogenetic location: 22q13.2.
Variant type: single nucleotide variant.
Coding change: c.368-13C>G on transcript NM_052945.4 (MANE Select); 13 bases into the intron before coding-DNA position 368, C replaced by G.
Molecular consequence: intron variant.
Genome position (GRCh38, 1-based): chr22:41,925,567, G>C on the plus strand (C>G on the coding strand, the complement: TNFRSF13C is on the minus strand). VCF-style: chr22-41925567-G-C. GRCh37 (hg19) VCF-style: chr22-42321571-G-C.
Identifiers: ClinVar variation 902823 (VCV000902823.14), dbSNP rs201892760, ClinGen allele CA10262446.
Genomic context (GRCh38, chr22:41,925,567, plus strand): 5'-CAGAGATTCCCGGAGACAGAATGATGACCTTGTCCAGGGGCTCTGGGGCTGCAGGCAGAG[G>C]GGGTAGAGGCTCCGTACTCAGTCACAGCCTTCCCTCCCTCCCCTAGAAGACTCCTCTGGA-3'